The following is an entry in ClinVar:

ClinVar aggregate classification (germline): Uncertain significance (1 of 4 stars; one submission).

Allele frequency attached by ClinVar (database versions not stated): gnomAD exomes below 0.00001 and 0.00001; TOPMed below 0.00001; ExAC 0.00001; gnomAD 0.00001; ESP Exome Variant Server 0.00008.
gnomAD v4.1: 9 of 1,613,972 alleles (0.00056%); highest among the groups gnomAD compares: Non-Finnish European, 0.00076%; no homozygotes.

Submission:

Labcorp Genetics (formerly Invitae), Labcorp
Classification: Uncertain significance. Last evaluated: 2022-06-20. Review status: criteria provided, single submitter. Criteria: Invitae Variant Classification Sherloc (09022015). Collection method: clinical testing. Allele origin: germline.
Comment: This sequence change replaces isoleucine, which is neutral and non-polar, with phenylalanine, which is neutral and non-polar, at codon 49 of the LAT protein (p.Ile49Phe). This variant is present in population databases (rs141916698, gnomAD 0.002%). This variant has not been reported in the literature in individuals affected with LAT-related conditions. Algorithms developed to predict the effect of missense changes on protein structure and function are either unavailable or do not agree on the potential impact of this missense change (SIFT: "Deleterious"; PolyPhen-2: "Benign"; Align-GVGD: "Class C15"). In summary, the available evidence is currently insufficient to determine the role of this variant in disease. Therefore, it has been classified as a Variant of Uncertain Significance.

NM_001014987.2(LAT):c.145A>T (p.Ile49Phe)

Gene: LAT (linker for activation of T cells; plus strand). Cytogenetic location: 16p11.2.
Variant type: single nucleotide variant.
Coding change: c.145A>T on transcript NM_001014987.2 (MANE Select); coding-DNA position 145, A replaced by T.
Protein change: p.Ile49Phe; replaces isoleucine 49 with phenylalanine.
Molecular consequence: missense variant.
Genome position (GRCh38, 1-based): chr16:28,985,870, A>T. VCF-style: chr16-28985870-A-T. GRCh37 (hg19) VCF-style: chr16-28997191-A-T.
Other names: c.145A>T, p.Ile49Phe (NM_001014988.2, NM_014387.4); c.253A>T, p.Ile85Phe (NM_001014989.2); short protein forms I85F, I49F.
Identifiers: ClinVar variation 1525329 (VCV001525329.8), dbSNP rs141916698, ClinGen allele CA7989859.
Genomic context (GRCh38, chr16:28,985,870, plus strand): 5'-CTCCATCTTCCAGCCCCATCCCCAAGCTGTGTCTCCTTTACCAGTTTGTATCCAAGGGGC[A>T]TCCAGTTCAAACGGCCTCGTGAGTACAAGGAGGGTCCCCTACCTTGGGTGCCAGGGAGAG-3'
Protein context (NP_001014987.1, residues 39-59): TSSDSLYPRG[Ile49Phe]QFKRPHTVAP